The following is an entry in ClinVar:

NM_006767.4(LZTR1):c.1111_1112del (p.Thr371fs)

Gene: LZTR1 (leucine zipper like post translational regulator 1; plus strand). Cytogenetic location: 22q11.21.
Variant type: Deletion.
Coding change: c.1111_1112del on transcript NM_006767.4 (MANE Select); coding-DNA positions 1111 to 1112, 2 bases deleted (AC; older notation c.1111_1112delAC).
Protein change: p.Thr371fs; shifts the reading frame from threonine 371.
Molecular consequence: frameshift variant.
Genome position (GRCh38, 1-based): chr22:20,992,331-20,992,332, AC deleted; deleting any 2 consecutive bases within chr22:20,992,330-20,992,332 gives the same sequence; the c. name uses the placement nearest the transcript's 3' end. VCF-style (leftmost placement, unchanged base first): chr22-20992329-GCA-G. GRCh37 (hg19) VCF-style: chr22-21346618-GCA-G.
Other names: short protein forms T371fs.
Identifiers: ClinVar variation 3992607 (VCV003992607.1).
Genomic context (GRCh38, chr22:20,992,329, plus strand): 5'-TGACCTATGAGGAGCGGGTTGGCTTCAAGAAGTCCCGAGATGTGTTTGGCCTGGACTTTG[GCA>G]CCACCTCAGCCAAGCAGCCCACCCAGCCTGCCTCGGAGGTACAGGCTGGGATCCTCATTA-3'

ClinVar aggregate classification (germline): Pathogenic (1 of 4 stars; one submission).

Conditions:
Cardiovascular phenotype. Identifiers: MedGen CN230736.
Hereditary cancer-predisposing syndrome. Also called: Tumor predisposition; Hereditary neoplastic syndrome; Neoplastic Syndromes, Hereditary; Hereditary Cancer Syndrome. Identifiers: Orphanet 140162, MedGen C0027672, MeSH D009386, MONDO:0015356.

Submission:

Ambry Genetics
Classification: Pathogenic for Cardiovascular phenotype; Hereditary cancer-predisposing syndrome. Last evaluated: 2025-05-14. Review status: criteria provided, single submitter. Criteria: Ambry Variant Classification Scheme 2023. Collection method: clinical testing. Allele origin: germline.
Comment: The c.1111_1112delAC pathogenic mutation, located in coding exon 10 of the LZTR1 gene, results from a deletion of two nucleotides at nucleotide positions 1111 to 1112, causing a translational frameshift with a predicted alternate stop codon (p.T371Hfs*55). This alteration is expected to result in loss of function by premature protein truncation or nonsense-mediated mRNA decay. Loss-of-function variants in LZTR1 are related to an increased risk for schwannomas and autosomal recessive Noonan syndrome; however, such associations with autosomal dominant Noonan syndrome have not been observed (Piotrowski A et al. Nat Genet. 2014 Feb;46:182-7; Yamamoto GL et al. J Med Genet. 2015 Jun;52:413-21; Johnston JJ et al. Genet Med. 2018 10;20:1175-1185). Based on the supporting evidence, this variant is pathogenic for an increased risk of LZTR1-related schwannomatosis (SWN) and would be expected to cause autosomal recessive Noonan syndrome when present along with a second pathogenic or likely pathogenic variant on the other allele; however, the association of this alteration with autosomal dominant Noonan syndrome is unlikely.